The following is an entry in ClinVar:

ClinVar aggregate classification (germline): Uncertain significance (1 of 4 stars; one submission).

Conditions:
Metachromatic leukodystrophy (MLD). Also called: Arylsulfatase A Deficiency; SULFATIDE LIPIDOSIS; ARSA DEFICIENCY; CEREBROSIDE SULFATASE DEFICIENCY; METACHROMATIC LEUKOENCEPHALOPATHY; Cerebral sclerosis diffuse metachromatic form. Identifiers: Orphanet 512, MedGen C0023522, MONDO:0018868, OMIM 250100.

Allele frequency attached by ClinVar (database versions not stated): gnomAD exomes below 0.00001; ExAC 0.00001; gnomAD 0.00001 and 0.00002; TOPMed 0.00003; ESP Exome Variant Server 0.00008; 1000 Genomes Project 30x 0.00031.

Submission:

Labcorp Genetics (formerly Invitae), Labcorp
Classification: Uncertain significance for Metachromatic leukodystrophy. Last evaluated: 2023-12-21. Review status: criteria provided, single submitter. Criteria: Invitae Variant Classification Sherloc (09022015). Collection method: clinical testing. Allele origin: germline.
Comment: This sequence change replaces glutamic acid, which is acidic and polar, with glycine, which is neutral and non-polar, at codon 426 of the ARSA protein (p.Glu426Gly). This variant is present in population databases (rs376220189, gnomAD 0.008%). This variant has not been reported in the literature in individuals affected with ARSA-related conditions. ClinVar contains an entry for this variant (Variation ID: 1498762). Advanced modeling of protein sequence and biophysical properties (such as structural, functional, and spatial information, amino acid conservation, physicochemical variation, residue mobility, and thermodynamic stability) has been performed at Invitae for this missense variant, however the output from this modeling did not meet the statistical confidence thresholds required to predict the impact of this variant on ARSA protein function. In summary, the available evidence is currently insufficient to determine the role of this variant in disease. Therefore, it has been classified as a Variant of Uncertain Significance.

NM_000487.6(ARSA):c.1277A>G (p.Glu426Gly)

Gene: ARSA (arylsulfatase A; minus strand). Cytogenetic location: 22q13.33.
Variant type: single nucleotide variant.
Coding change: c.1277A>G on transcript NM_000487.6 (MANE Select); coding-DNA position 1277, A replaced by G.
Protein change: p.Glu426Gly; replaces glutamic acid 426 with glycine.
Molecular consequence: missense variant.
Genome position (GRCh38, 1-based): chr22:50,625,398, T>C on the plus strand (A>G on the coding strand, the complement: ARSA is on the minus strand). VCF-style: chr22-50625398-T-C. GRCh37 (hg19) VCF-style: chr22-51063826-T-C.
Other names: c.1277A>G, p.Glu426Gly (NM_001085425.3, NM_001085426.3, NM_001085427.3); c.1019A>G, p.Glu340Gly (NM_001085428.3, NM_001362782.2); short protein forms E340G, E426G.
Identifiers: ClinVar variation 1498762 (VCV001498762.8), dbSNP rs376220189, ClinGen allele CA10324755.